The following is an entry in ClinVar:

NM_001298.2(CNGA3):c.-406C>T

Gene: CNGA3 (cyclic nucleotide gated channel subunit alpha 3; plus strand). Cytogenetic location: 2q11.2.
Variant type: single nucleotide variant.
Coding change: c.-406C>T on transcript NM_001298.2; 406 bases upstream of the start codon, C replaced by T.
Genome position (GRCh38, 1-based): chr2:98,346,166, C>T. VCF-style: chr2-98346166-C-T. GRCh37 (hg19) VCF-style: chr2-98962629-C-T.
Identifiers: ClinVar variation 337644 (VCV000337644.7), dbSNP rs529394802, ClinGen allele CA10616611.

ClinVar aggregate classification (germline): Likely benign (1 of 4 stars; one submission).

Conditions:
Achromatopsia 2 (ACHM2). Also called: ROD MONOCHROMACY 2; ROD MONOCHROMATISM 2; COLORBLINDNESS, TOTAL. Identifiers: Orphanet 49382, MedGen C1857618, MONDO:0009003, OMIM 216900.

Allele frequency attached by ClinVar (database versions not stated): gnomAD 0.00038 and 0.00012; TOPMed 0.00015; gnomAD exomes 0.00029; 1000 Genomes Project 0.00319; 1000 Genomes Project 30x 0.00359.

Submission:

Illumina Laboratory Services, Illumina
Classification: Likely benign for Achromatopsia 2. Last evaluated: 2018-01-13. Review status: criteria provided, single submitter. Criteria: ICSL Variant Classification Criteria 13 December 2019. Collection method: clinical testing. Allele origin: germline.
Comment: This variant was observed in the ICSL laboratory as part of a predisposition screen in an ostensibly healthy population. It had not been previously curated by ICSL or reported in the Human Gene Mutation Database (HGMD: prior to June 1st, 2018), and was therefore a candidate for classification through an automated scoring system. Utilizing variant allele frequency, disease prevalence and penetrance estimates, and inheritance mode, an automated score was calculated to assess if this variant is too frequent to cause the disease. Based on the score and internal cut-off values, a variant classified as likely benign is not then subjected to further curation. The score for this variant resulted in a classification of likely benign for this disease.